The following is an entry in ClinVar:

ClinVar aggregate classification (germline): Conflicting classifications of pathogenicity. Review status: criteria provided, conflicting classifications (1 of 4 stars). 2 submissions from 2 submitters: Uncertain significance (1); Likely benign (1). Last evaluated 2024-04-22.

Conditions:
Cardiovascular phenotype. Identifiers: MedGen CN230736.

Allele frequency attached by ClinVar (database versions not stated): ExAC 0.00005; gnomAD exomes 0.00006; TOPMed 0.00015; 1000 Genomes Project 30x 0.00016; 1000 Genomes Project 0.00020; gnomAD 0.00025.
gnomAD v4.1: 120 of 1,550,346 alleles (0.0077%); highest among the groups gnomAD compares: Admixed American, 0.065%; 1 homozygote.

Submissions (2):

GeneDx
Classification: Uncertain significance. Last evaluated: 2024-04-22. Review status: criteria provided, single submitter. Criteria: GeneDx Variant Classification Process June 2021. Collection method: clinical testing. Allele origin: germline. Affected: yes.
Comment: Has not been previously published as pathogenic or benign to our knowledge; In silico analysis supports that this missense variant does not alter protein structure/function

Ambry Genetics
Classification: Likely benign for Cardiovascular phenotype. Last evaluated: 2023-07-11. Review status: criteria provided, single submitter. Criteria: Ambry Variant Classification Scheme 2023. Collection method: clinical testing. Allele origin: germline.

NM_001367624.2(ZNF469):c.7861G>A (p.Val2621Met)

Gene: ZNF469 (zinc finger protein 469; plus strand). Cytogenetic location: 16q24.2.
Variant type: single nucleotide variant.
Coding change: c.7861G>A on transcript NM_001367624.2 (MANE Select); coding-DNA position 7861, G replaced by A.
Protein change: p.Val2621Met; replaces valine 2621 with methionine.
Molecular consequence: missense variant.
Genome position (GRCh38, 1-based): chr16:88,435,331, G>A. VCF-style: chr16-88435331-G-A. GRCh37 (hg19) VCF-style: chr16-88501739-G-A.
Other names: NM_001127464.1:c.7777G>A; short protein forms V2621M.
Identifiers: ClinVar variation 1760566 (VCV001760566.4), dbSNP rs552116287, ClinGen allele CA8225286.